The following is an entry in ClinVar:

ClinVar aggregate classification (germline): Uncertain significance (1 of 4 stars; one submission).

gnomAD v4.1: 7 of 1,611,998 alleles (0.00043%); highest among the groups gnomAD compares: Non-Finnish European, 0.00059%; no homozygotes.

Submission:

GeneDx
Classification: Uncertain significance. Last evaluated: 2026-06-23. Review status: criteria provided, single submitter. Criteria: GeneDx Variant Classification Process June 2021. Collection method: clinical testing. Allele origin: germline.
Comment: Not observed at significant frequency in large population cohorts (gnomAD); In silico analysis suggests that this missense variant does not alter protein structure/function; Has not been previously published as pathogenic or benign to our knowledge

NM_138691.3(TMC1):c.33G>T (p.Glu11Asp)

Gene: TMC1 (transmembrane channel like 1; plus strand). Cytogenetic location: 9q21.13.
Variant type: single nucleotide variant.
Coding change: c.33G>T on transcript NM_138691.3 (MANE Select); coding-DNA position 33, G replaced by T.
Protein change: p.Glu11Asp; replaces glutamic acid 11 with aspartic acid.
Molecular consequence: missense variant.
Genome position (GRCh38, 1-based): chr9:72,688,725, G>T. VCF-style: chr9-72688725-G-T. GRCh37 (hg19) VCF-style: chr9-75303641-G-T.
Other names: short protein forms E11D.
Identifiers: ClinVar variation 3767492 (VCV003767492.2).